The following is an entry in ClinVar:

ClinVar aggregate classification (germline): Uncertain significance. Review status: criteria provided, multiple submitters, no conflicts (2 of 4 stars). 7 submissions from 7 submitters: Uncertain significance (6). 1 of the submissions does not count toward it. Last evaluated 2026-02-12.

Conditions:
Hereditary cancer-predisposing syndrome. Also called: Tumor predisposition; Hereditary Cancer Syndrome; Hereditary neoplastic syndrome; Neoplastic Syndromes, Hereditary. Identifiers: Orphanet 140162, MedGen C0027672, MeSH D009386, MONDO:0015356.
Familial cancer of breast. Also called: BREAST CANCER, FAMILIAL; Hereditary breast cancer; hereditary breast carcinoma. Identifiers: Orphanet 227535, MedGen C0346153, MONDO:0016419, OMIM 114480. Disease mechanism: loss of function.
Malignant tumor of breast. Also called: Malignant breast neoplasm; Cancer breast. Identifiers: MedGen C0006142, MONDO:0007254. Disease mechanism: loss of function.

Allele frequency attached by ClinVar (database versions not stated): gnomAD exomes below 0.00001; TOPMed 0.00001.

Submissions (7):

GeneDx
Classification: Uncertain significance. Last evaluated: 2026-02-12. Review status: criteria provided, single submitter. Criteria: GeneDx Variant Classification Process June 2021. Collection method: clinical testing. Allele origin: germline. Affected: yes.
Comment: In silico analysis supports that this missense variant has a deleterious effect on protein structure/function; Not observed at significant frequency in large population cohorts (gnomAD); This variant is associated with the following publications: (PMID: 33298767, 32885271, 33471991, 37449874, 22419737, 19782031, 34326862, 30851065)

Labcorp Genetics (formerly Invitae), Labcorp
Classification: Uncertain significance for Familial cancer of breast. Last evaluated: 2026-02-03. Review status: criteria provided, single submitter. Criteria: Invitae Variant Classification Sherloc (09022015). Collection method: clinical testing. Allele origin: germline.
Comment: This sequence change replaces tryptophan, which is neutral and slightly polar, with arginine, which is basic and polar, at codon 93 of the CHEK2 protein (p.Trp93Arg). This variant is present in population databases (rs730881697, gnomAD 0.0009%). This missense change has been observed in individual(s) with breast cancer (PMID: 32885271, 34326862). ClinVar contains an entry for this variant (Variation ID: 182447). An algorithm developed to predict the effect of missense changes on protein structure and function (PolyPhen-2) suggests that this variant is likely to be disruptive. Experimental studies have shown that this missense change affects CHEK2 function (PMID: 30851065, 37449874). In summary, the available evidence is currently insufficient to determine the role of this variant in disease. Therefore, it has been classified as a Variant of Uncertain Significance.

Ambry Genetics
Classification: Uncertain significance for Hereditary cancer-predisposing syndrome. Last evaluated: 2025-06-06. Review status: criteria provided, single submitter. Criteria: Ambry Variant Classification Scheme 2023. Collection method: clinical testing. Allele origin: germline.
Comment: The p.W93R variant (also known as c.277T>C), located in coding exon 1 of the CHEK2 gene, results from a T to C substitution at nucleotide position 277. The tryptophan at codon 93 is replaced by arginine, an amino acid with dissimilar properties. This variant behaved as non-functional in an in vivo, yeast-based growth rate assay (Delimitsou A et al. Hum Mutat, 2019 05;40:631-648). This alteration was also reported as functionally impaired in a study assessing CHEK2-complementation through quantification of KAP1 phosphorylation and CHK2 autophosphorylation in human RPE1-CHEK2-knockout cells (Stolarova L et al. Clin Cancer Res, 2023 Aug;29:3037-3050). This amino acid position is highly conserved in available vertebrate species. In addition, this alteration is predicted to be deleterious by in silico analysis. Based on the available evidence, the clinical significance of this variant remains unclear.

Institute for Biomarker Research, Medical Diagnostic Laboratories, L.L.C.
Classification: Uncertain significance for Hereditary cancer-predisposing syndrome. Last evaluated: 2024-08-28. Review status: criteria provided, single submitter. Criteria: ACMG Guidelines, 2015. Collection method: clinical testing. Allele origin: germline.
Comment: The p.Trp93Arg variant is observed in 1/113,576 (0.0009%) alleles from individuals of gnomAD Non Finnish European background in gnomAD. The p.Trp93Arg variant is novel (not in any individuals) in 1kG. There is a moderate physicochemical difference between tryptophan and arginine. The p.Trp93Arg missense variant is predicted to be damaging by both SIFT and PolyPhen2. For these reasons, this variant has been classified as Uncertain Significance.

Color Diagnostics, LLC DBA Color Health
Classification: Uncertain significance for Hereditary cancer-predisposing syndrome. Last evaluated: 2023-10-03. Review status: criteria provided, single submitter. Criteria: ACMG Guidelines, 2015. Collection method: clinical testing. Allele origin: germline.
Comment: This missense variant replaces tryptophan with arginine at codon 93 of the CHEK2 protein. . Computational prediction suggests that this variant may have deleterious impact on protein structure and function (internally defined REVEL score threshold >= 0.7, PMID: 27666373). This variant has been shown to impact function in a yeast DNA repair assay (PMID: 30851065) and in a kinase assay (PMID: 37449874). This variant has been reported in individuals affected with breast cancer (PMID: 32885271, 37449874), and in an unaffected individual (PMID: 33471991; Leiden Open Variation Database DB-ID CHEK2_000228). This variant has been identified in 1/251224 chromosomes in the general population by the Genome Aggregation Database (gnomAD). The available evidence is insufficient to determine the role of this variant in disease conclusively. Therefore, this variant is classified as a Variant of Uncertain Significance.

Quest Diagnostics Nichols Institute San Juan Capistrano
Classification: Uncertain significance. Last evaluated: 2017-12-29. Review status: criteria provided, single submitter. Criteria: Quest Diagnostics criteria. Collection method: clinical testing. Allele origin: germline.

Department of Pathology and Laboratory Medicine, Sinai Health System
Classification: Uncertain significance for Malignant tumor of breast. Review status: no assertion criteria provided. Collection method: clinical testing. Allele origin: unknown. Affected: yes. Study: The Canadian Open Genetics Repository (COGR). Not counted in ClinVar's aggregate classification.
Comment: The CHEK2 p.Trp93Arg variant was not identified in the literature. The variant was identified in dbSNP (rs730881697) as â€šÃ„Ãºwith uncertain significance alleleâ€šÃ„Ã¹ and ClinVar (classified as uncertain significance by Invitae, Color, Ambry Genetics and 2 other submitters). The variant was identified in control databases in 1 of 246,184 chromosomes at a frequency of 0.000004 (Genome Aggregation Database Feb 27, 2017). The variant was observed in the European population in 1 of 111,672 chromosomes (freq: 0.000009), but not in the African, Other, Latino, Ashkenazi Jewish, East Asian, Finnish, or South Asian populations. A yeast-based functional assay showed that the variant had a damaging effect on cell function (Delimitsou 2019). The p.Trp93 residue is conserved in mammals and computational analyses (PolyPhen-2, SIFT, AlignGVGD, BLOSUM, MutationTaster) provide inconsistent predictions regarding the impact to the protein; this information is not very predictive of pathogenicity. The variant occurs outside of the splicing consensus sequence and in silico or computational prediction software programs (SpliceSiteFinder, MaxEntScan, NNSPLICE, GeneSplicer) do not predict a difference in splicing. In summary, based on the above information, the clinical significance of this variant cannot be determined with certainty at this time. This variant is classified as a variant of uncertain significance.

Literature cited by the submitters: PubMed 32885271 (cited by 3 submitters); PubMed 34326862 (cited by Labcorp Genetics (formerly Invitae), Labcorp); PubMed 30851065 (cited by 3 submitters); PubMed 37449874 (cited by 3 submitters); PubMed 33471991 (cited by Color Diagnostics, LLC DBA Color Health).

NM_007194.4(CHEK2):c.277T>C (p.Trp93Arg)

Gene: CHEK2 (checkpoint kinase 2; minus strand). Cytogenetic location: 22q12.1.
Variant type: single nucleotide variant.
Coding change: c.277T>C on transcript NM_007194.4 (MANE Select); coding-DNA position 277, T replaced by C.
Protein change: p.Trp93Arg; replaces tryptophan 93 with arginine.
Molecular consequence: missense variant.
Genome position (GRCh38, 1-based): chr22:28,734,445, A>G on the plus strand (T>C on the coding strand, the complement: CHEK2 is on the minus strand). VCF-style: chr22-28734445-A-G. GRCh37 (hg19) VCF-style: chr22-29130433-A-G.
Other names: p.W93R:TGG>CGG; c.277T>C, p.Trp93Arg (NM_001005735.3, NM_001349956.3, NM_145862.3); c.-501T>C (NM_001257387.3); short protein forms W93R.
Identifiers: ClinVar variation 182447 (VCV000182447.28), dbSNP rs730881697, ClinGen allele CA299105.